The following is an entry in ClinVar:

ClinVar aggregate classification (germline): Uncertain significance (1 of 4 stars; one submission).

Submission:

Ambry Genetics
Classification: Uncertain significance. Last evaluated: 2025-05-02. Review status: criteria provided, single submitter. Criteria: Ambry Variant Classification Scheme 2023. Collection method: clinical testing. Allele origin: germline.
Comment: The p.Q32P variant (also known as c.95A>C), located in coding exon 2 of the RECQL gene, results from an A to C substitution at nucleotide position 95. The glutamine at codon 32 is replaced by proline, an amino acid with similar properties. This amino acid position is conserved. In addition, the in silico prediction for this alteration is inconclusive. Since supporting evidence is limited at this time, the clinical significance of this alteration remains unclear.

NM_002907.4(RECQL):c.95A>C (p.Gln32Pro)

Gene: RECQL (RecQ like helicase; minus strand). Cytogenetic location: 12p12.1.
Variant type: single nucleotide variant.
Coding change: c.95A>C on transcript NM_002907.4 (MANE Select); coding-DNA position 95, A replaced by C.
Protein change: p.Gln32Pro; replaces glutamine 32 with proline.
Molecular consequence: missense variant.
Genome position (GRCh38, 1-based): chr12:21,491,638, T>G on the plus strand (A>C on the coding strand, the complement: RECQL is on the minus strand). VCF-style: chr12-21491638-T-G. GRCh37 (hg19) VCF-style: chr12-21644572-T-G.
Other names: c.95A>C, p.Gln32Pro (NM_032941.3); short protein forms Q32P.
Identifiers: ClinVar variation 2450967 (VCV002450967.3), dbSNP rs2540405404, ClinGen allele CA384134576.